The following is an entry in ClinVar:

NM_138694.4(PKHD1):c.5187C>T (p.Ala1729=)

Genes: PKHD1 (PKHD1 ciliary IPT domain containing fibrocystin/polyductin; minus strand), LOC126859690 (MED14-independent group 3 enhancer GRCh37_chr6:51888848-51890047; plus strand). Cytogenetic location: 6p12.2.
Variant type: single nucleotide variant.
Coding change: c.5187C>T on transcript NM_138694.4 (MANE Select); coding-DNA position 5187, C replaced by T.
Protein change: p.Ala1729=; no amino-acid change (alanine 1729 retained).
Molecular consequence: synonymous variant.
Genome position (GRCh38, 1-based): chr6:52,024,623, G>A on the plus strand (C>T on the coding strand, the complement: PKHD1 is on the minus strand). VCF-style: chr6-52024623-G-A. GRCh37 (hg19) VCF-style: chr6-51889421-G-A.
Other names: c.5187C>T (NM_138694.3); c.5187C>T, p.Ala1729= (NM_170724.3).
Identifiers: ClinVar variation 2050025 (VCV002050025.6), dbSNP rs1801863836, ClinGen allele CA450418633.

ClinVar aggregate classification (germline): Likely benign. Review status: criteria provided, single submitter (1 of 4 stars). 2 submissions from 2 submitters: Likely benign (1). 1 of the submissions does not count toward it. Last evaluated 2022-07-19.

Conditions:
PKHD1-related disorder. Also called: PKHD1-related condition.
Autosomal recessive polycystic kidney disease (ARPKD). Also called: AR polycystic kidney disease. Identifiers: Orphanet 731, Orphanet 8378, MedGen C0085548, MeSH D017044, MONDO:0009889.

gnomAD v4.1: 2 of 1,614,154 alleles (0.00012%); highest among the groups gnomAD compares: Middle Eastern, 0.016%; no homozygotes.

Submissions (2):

Labcorp Genetics (formerly Invitae), Labcorp
Classification: Likely benign for Autosomal recessive polycystic kidney disease. Last evaluated: 2022-07-19. Review status: criteria provided, single submitter. Criteria: Invitae Variant Classification Sherloc (09022015). Collection method: clinical testing. Allele origin: germline.

PreventionGenetics, part of Exact Sciences
Classification: Likely benign for PKHD1-related condition. Last evaluated: 2023-05-15. Review status: no assertion criteria provided. Collection method: clinical testing. Allele origin: germline. Not counted in ClinVar's aggregate classification.
Comment: This variant is classified as likely benign based on ACMG/AMP sequence variant interpretation guidelines (Richards et al. 2015 PMID: 25741868, with internal and published modifications).